The following is an entry in ClinVar:

ClinVar aggregate classification (germline): Uncertain significance (1 of 4 stars; one submission).

Conditions:
ATP8B1-related disorder. Also called: ATP8B1-related disorders; ATP8B1-related condition.

gnomAD v4.1: 11 of 1,610,588 alleles (0.00068%); highest among the groups gnomAD compares: Non-Finnish European, 0.00093%; no homozygotes.

Submission:

PreventionGenetics, part of Exact Sciences
Classification: Uncertain significance for ATP8B1-related condition. Last evaluated: 2025-04-09. Review status: criteria provided, single submitter. Criteria: ACMG Guidelines, 2015. Collection method: clinical testing. Allele origin: germline.
Comment: The ATP8B1 c.1922A>T variant is predicted to result in the amino acid substitution p.Asp641Val. To our knowledge, this variant has not been reported in the literature or in a large population database (gnomAD), indicating this variant is rare. At this time, the clinical significance of this variant is uncertain due to the absence of conclusive functional and genetic evidence.

NM_001374385.1(ATP8B1):c.1922A>T (p.Asp641Val)

Gene: ATP8B1 (ATPase phospholipid transporting 8B1; minus strand). Cytogenetic location: 18q21.31.
Variant type: single nucleotide variant.
Coding change: c.1922A>T on transcript NM_001374385.1 (MANE Select); coding-DNA position 1922, A replaced by T.
Protein change: p.Asp641Val; replaces aspartic acid 641 with valine.
Molecular consequence: missense variant.
Genome position (GRCh38, 1-based): chr18:57,671,478, T>A on the plus strand (A>T on the coding strand, the complement: ATP8B1 is on the minus strand). VCF-style: chr18-57671478-T-A. GRCh37 (hg19) VCF-style: chr18-55338710-T-A.
Other names: c.1772A>T, p.Asp591Val (NM_001374386.1); c.1922A>T, p.Asp641Val (NM_005603.6); short protein forms D641V, D591V.
Identifiers: ClinVar variation 5000494 (VCV005000494.1).